The following is an entry in ClinVar:

NM_017617.5(NOTCH1):c.2952G>C (p.Thr984=)

Gene: NOTCH1 (notch receptor 1; minus strand). Cytogenetic location: 9q34.3.
Variant type: single nucleotide variant.
Coding change: c.2952G>C on transcript NM_017617.5 (MANE Select); coding-DNA position 2952, G replaced by C.
Protein change: p.Thr984=; no amino-acid change (threonine 984 retained).
Molecular consequence: synonymous variant.
Genome position (GRCh38, 1-based): chr9:136,509,750, C>G on the plus strand (G>C on the coding strand, the complement: NOTCH1 is on the minus strand). VCF-style: chr9-136509750-C-G. GRCh37 (hg19) VCF-style: chr9-139404202-C-G.
Identifiers: ClinVar variation 2830227 (VCV002830227.3), dbSNP rs373168397, ClinGen allele CA467716042.

ClinVar aggregate classification (germline): Uncertain significance (1 of 4 stars; one submission).

Conditions:
Adams-Oliver syndrome 5 (AOS5). Identifiers: Orphanet 974, MedGen C4014970, MONDO:0014459, OMIM 616028.

Submission:

Labcorp Genetics (formerly Invitae), Labcorp
Classification: Uncertain significance for Adams-Oliver syndrome 5. Last evaluated: 2023-01-19. Review status: criteria provided, single submitter. Criteria: Invitae Variant Classification Sherloc (09022015). Collection method: clinical testing. Allele origin: germline.
Comment: In summary, the available evidence is currently insufficient to determine the role of this variant in disease. Therefore, it has been classified as a Variant of Uncertain Significance. Algorithms developed to predict the effect of sequence changes on RNA splicing suggest that this variant may create or strengthen a splice site. This variant has not been reported in the literature in individuals affected with NOTCH1-related conditions. This variant is not present in population databases (gnomAD no frequency). This sequence change affects codon 984 of the NOTCH1 mRNA. It is a 'silent' change, meaning that it does not change the encoded amino acid sequence of the NOTCH1 protein.